The following is an entry in ClinVar:

NM_001376.5(DYNC1H1):c.13537G>A (p.Gly4513Ser)

Gene: DYNC1H1 (dynein cytoplasmic 1 heavy chain 1; plus strand). Cytogenetic location: 14q32.31.
Variant type: single nucleotide variant.
Coding change: c.13537G>A on transcript NM_001376.5 (MANE Select); coding-DNA position 13537, G replaced by A.
Protein change: p.Gly4513Ser; replaces glycine 4513 with serine.
Molecular consequence: missense variant.
Genome position (GRCh38, 1-based): chr14:102,049,735, G>A. VCF-style: chr14-102049735-G-A. GRCh37 (hg19) VCF-style: chr14-102516072-G-A.
Other names: short protein forms G4513S.
Identifiers: ClinVar variation 3893489 (VCV003893489.3).
Genomic context (GRCh38, chr14:102,049,735, plus strand): 5'-ACCTGAGCTCCTTCCCCTGGGGGCTGCTGCTTTCCACAGAACATCCACGTGTGCCTGGGT[G>A]GCCTGTTCGTGCCTGAGGCGTACATCACTGCCACCAGGCAGTATGTGGCCCAGGCCAACA-3'
Protein context (NP_001367.2, residues 4503-4523): ELKNIHVCLG[Gly4513Ser]LFVPEAYITA

ClinVar aggregate classification (germline): Uncertain significance. Review status: criteria provided, multiple submitters, no conflicts (2 of 4 stars). 3 submissions from 3 submitters: Uncertain significance (3). Last evaluated 2025-12-13.

Conditions:
Charcot-Marie-Tooth disease axonal type 2O. Also called: CHARCOT-MARIE-TOOTH NEUROPATHY, AXONAL, TYPE 2O; CHARCOT-MARIE-TOOTH DISEASE, AXONAL, AUTOSOMAL DOMINANT, TYPE 2O; Charcot-Marie-Tooth Neuropathy Type 2O; Charcot-Marie-Tooth disease, axonal, type 20. Identifiers: Orphanet 284232, MedGen C3280220, MONDO:0013644, OMIM 614228.

gnomAD v4.1: 2 of 1,613,936 alleles (0.00012%); highest among the groups gnomAD compares: Non-Finnish European, 0.00017%; no homozygotes.

Submissions (3):

Labcorp Genetics (formerly Invitae), Labcorp
Classification: Uncertain significance for Charcot-Marie-Tooth disease axonal type 2O. Last evaluated: 2025-12-13. Review status: criteria provided, single submitter. Criteria: Invitae Variant Classification Sherloc (09022015). Collection method: clinical testing. Allele origin: germline.
Comment: This sequence change replaces glycine, which is neutral and non-polar, with serine, which is neutral and polar, at codon 4513 of the DYNC1H1 protein (p.Gly4513Ser). This variant is not present in population databases (gnomAD no frequency). This variant has not been reported in the literature in individuals affected with DYNC1H1-related conditions. ClinVar contains an entry for this variant (Variation ID: 3893489). Invitae Evidence Modeling of protein sequence and biophysical properties (such as structural, functional, and spatial information, amino acid conservation, physicochemical variation, residue mobility, and thermodynamic stability) indicates that this missense variant is not expected to disrupt DYNC1H1 protein function with a negative predictive value of 95%. In summary, the available evidence is currently insufficient to determine the role of this variant in disease. Therefore, it has been classified as a Variant of Uncertain Significance.

GeneDx
Classification: Uncertain significance. Last evaluated: 2024-10-22. Review status: criteria provided, single submitter. Criteria: GeneDx Variant Classification Process June 2021. Collection method: clinical testing. Allele origin: germline. Affected: yes.
Comment: Not observed at significant frequency in large population cohorts (gnomAD); In silico analysis supports that this missense variant has a deleterious effect on protein structure/function; Has not been previously published as pathogenic or benign to our knowledge; This variant is associated with the following publications: (PMID: 25512093, 25609763, 26100331)

Blueprint Genetics
Classification: Uncertain significance. Last evaluated: 2024-09-16. Review status: criteria provided, single submitter. Criteria: ACMG Guidelines, 2015. Collection method: clinical testing. Allele origin: germline.